The following is an entry in ClinVar:

NM_001039213.4(CEACAM16):c.573C>T (p.Ile191=)

Genes: CEACAM16 (CEA cell adhesion molecule 16, tectorial membrane component; plus strand), CEACAM16-AS1 (CEACAM16, CEACAM19 and PVR antisense RNA 1; minus strand). Cytogenetic location: 19q13.32.
Variant type: single nucleotide variant.
Coding change: c.573C>T on transcript NM_001039213.4 (MANE Select); coding-DNA position 573, C replaced by T.
Protein change: p.Ile191=; no amino-acid change (isoleucine 191 retained).
Molecular consequence: synonymous variant.
Genome position (GRCh38, 1-based): chr19:44,704,208, C>T. VCF-style: chr19-44704208-C-T. GRCh37 (hg19) VCF-style: chr19-45207478-C-T.
Identifiers: ClinVar variation 4982476 (VCV004982476.1).

ClinVar aggregate classification (germline): Likely benign (1 of 4 stars; one submission).

Conditions:
CEACAM16-related disorder. Also called: CEACAM16-related condition.

gnomAD v4.1: 3 of 1,556,698 alleles (0.00019%); highest among the groups gnomAD compares: African/African-American, 0.0027%; no homozygotes.

Submission:

PreventionGenetics, part of Exact Sciences
Classification: Likely benign for CEACAM16-related condition. Last evaluated: 2025-10-27. Review status: criteria provided, single submitter. Criteria: ACMG Guidelines, 2015. Collection method: clinical testing. Allele origin: germline.
Comment: This variant is classified as likely benign based on ACMG/AMP sequence variant interpretation guidelines (Richards et al. 2015 PMID: 25741868, with internal and published modifications).